The following is an entry in ClinVar:

ClinVar aggregate classification (germline): Pathogenic/Likely pathogenic. Review status: criteria provided, multiple submitters, no conflicts (2 of 4 stars). 4 submissions from 4 submitters: Pathogenic (2); Likely pathogenic (1). 1 of the submissions does not count toward it. Last evaluated 2025-05-21.

Conditions:
Seizures, benign familial neonatal, 1. Also called: KCNQ2-Related Benign Familial Neonatal Epilepsy; Seizures, benign neonatal, 1; KCNQ2-Related Self-Limited Familial Neonatal Epilepsy (SLFNE); Benign Neonatal Epilepsy 1. Identifiers: Orphanet 1949, MedGen C3149074, MONDO:0007365, OMIM 121200.
Developmental and epileptic encephalopathy, 7 (DEE7). Also called: KCNQ2-Related Neonatal Epileptic Encephalopathy; KCNQ2-Related Neonatal-Onset Developmental and Epileptic Encephalopathy (NEO-DEE); Early infantile epileptic encephalopathy 7. Identifiers: Orphanet 439218, MedGen C3150986, MONDO:0013387, OMIM 613720.
Early-infantile DEE. Also called: Early infantile epileptic encephalopathy; Early infantile epileptic encephalopathy with suppression bursts; Ohtahara syndrome. Identifiers: Orphanet 1934, MedGen C0393706, MONDO:0800491.

Submissions (4):

GeneDx
Classification: Pathogenic. Last evaluated: 2025-05-21. Review status: criteria provided, single submitter. Criteria: GeneDx Variant Classification Process June 2021. Collection method: clinical testing. Allele origin: germline. Affected: yes.
Comment: Not observed at significant frequency in large population cohorts (gnomAD); In silico analysis supports that this missense variant has a deleterious effect on protein structure/function; This variant is associated with the following publications: (PMID: 26007637, 20437616, 27602407, 29726930, 25959266)

Labcorp Genetics (formerly Invitae), Labcorp
Classification: Pathogenic for Early-infantile DEE. Last evaluated: 2022-07-25. Review status: criteria provided, single submitter. Criteria: Invitae Variant Classification Sherloc (09022015). Collection method: clinical testing. Allele origin: germline.
Comment: ClinVar contains an entry for this variant (Variation ID: 205899). For these reasons, this variant has been classified as Pathogenic. This variant disrupts the p.Arg353 amino acid residue in KCNQ2. Other variant(s) that disrupt this residue have been determined to be pathogenic (PMID: 29726930). This suggests that this residue is clinically significant, and that variants that disrupt this residue are likely to be disease-causing. Advanced modeling of protein sequence and biophysical properties (such as structural, functional, and spatial information, amino acid conservation, physicochemical variation, residue mobility, and thermodynamic stability) performed at Invitae indicates that this missense variant is expected to disrupt KCNQ2 protein function. This missense change has been observed in individual(s) with early infantile epileptic encephalopathy (PMID: 25959266). In at least one individual the variant was observed to be de novo. This variant is not present in population databases (gnomAD no frequency). This sequence change replaces arginine, which is basic and polar, with histidine, which is basic and polar, at codon 353 of the KCNQ2 protein (p.Arg353His).

Juno Genomics, Hangzhou Juno Genomics, Inc
Classification: Likely pathogenic for Developmental and epileptic encephalopathy, 7; Seizures, benign familial neonatal, 1. Review status: criteria provided, single submitter. Criteria: ACMG Guidelines, 2015. Collection method: clinical testing. Allele origin: germline. Affected: yes.
Comment: Absent from controls (or at extremely low frequency if recessive) in Genome Aggregation Database.;Co-segregation with disease in multiple affected family members.;Multiple lines of computational evidence support a deleterious effect on the gene or gene product.;Missense variant in a gene that has a low rate of benign missense variation.;The prevalence of the variant in affected individuals is significantly increased compared to the prevalence in controls.;De novo (both maternity and paternity confirmed) in a patient with the disease and no family history.

GeneReviews
No classification provided. Condition: Developmental and epileptic encephalopathy, 7. Review status: no classification provided. Collection method: literature only. Allele origin: germline. Affected: yes. Not counted in ClinVar's aggregate classification.
Comment: EE (epileptic encephalopathy)

Literature cited by the submitters: PubMed 29726930 (cited by Labcorp Genetics (formerly Invitae), Labcorp); PubMed 25959266 (cited by Labcorp Genetics (formerly Invitae), Labcorp and GeneReviews); NCBI Bookshelf NBK32534 (cited by GeneReviews).

NM_172107.4(KCNQ2):c.1058G>A (p.Arg353His)

Gene: KCNQ2 (potassium voltage-gated channel subfamily Q member 2; minus strand). Cytogenetic location: 20q13.33.
Variant type: single nucleotide variant.
Coding change: c.1058G>A on transcript NM_172107.4 (MANE Select); coding-DNA position 1058, G replaced by A.
Protein change: p.Arg353His; replaces arginine 353 with histidine.
Molecular consequence: missense variant.
Genome position (GRCh38, 1-based): chr20:63,433,869, C>T on the plus strand (G>A on the coding strand, the complement: KCNQ2 is on the minus strand). VCF-style: chr20-63433869-C-T. GRCh37 (hg19) VCF-style: chr20-62065222-C-T.
Other names: p.R353H:CGC>CAC; c.1058G>A, p.Arg353His (NM_004518.6, NM_172106.3, NM_172108.5 and 1 more transcripts); short protein forms R353H.
Identifiers: ClinVar variation 205899 (VCV000205899.16), dbSNP rs796052645, ClinGen allele CA315432.